The following is an entry in ClinVar:

NM_017646.6(TRIT1):c.1223G>A (p.Arg408His)

Gene: TRIT1 (tRNA isopentenyltransferase 1; minus strand). Cytogenetic location: 1p34.2.
Variant type: single nucleotide variant.
Coding change: c.1223G>A on transcript NM_017646.6 (MANE Select); coding-DNA position 1223, G replaced by A.
Protein change: p.Arg408His; replaces arginine 408 with histidine.
Molecular consequence: missense variant.
Genome position (GRCh38, 1-based): chr1:39,844,112, C>T on the plus strand (G>A on the coding strand, the complement: TRIT1 is on the minus strand). VCF-style: chr1-39844112-C-T. GRCh37 (hg19) VCF-style: chr1-40309784-C-T.
Other names: c.977G>A, p.Arg326His (NM_001312692.2); c.1145G>A, p.Arg382His (NM_001312691.2); short protein forms R382H, R408H, R326H.
Identifiers: ClinVar variation 2149610 (VCV002149610.2), dbSNP rs761729793, ClinGen allele CA787877.

ClinVar aggregate classification (germline): Uncertain significance (1 of 4 stars; one submission).

Allele frequency attached by ClinVar (database versions not stated): TOPMed below 0.00001; ExAC 0.00001; gnomAD 0.00001; gnomAD exomes 0.00001.

Submission:

Labcorp Genetics (formerly Invitae), Labcorp
Classification: Uncertain significance. Last evaluated: 2022-11-27. Review status: criteria provided, single submitter. Criteria: Invitae Variant Classification Sherloc (09022015). Collection method: clinical testing. Allele origin: germline.
Comment: In summary, the available evidence is currently insufficient to determine the role of this variant in disease. Therefore, it has been classified as a Variant of Uncertain Significance. Advanced modeling of protein sequence and biophysical properties (such as structural, functional, and spatial information, amino acid conservation, physicochemical variation, residue mobility, and thermodynamic stability) performed at Invitae indicates that this missense variant is not expected to disrupt TRIT1 protein function. This variant has not been reported in the literature in individuals affected with TRIT1-related conditions. This variant is present in population databases (rs761729793, gnomAD 0.009%). This sequence change replaces arginine, which is basic and polar, with histidine, which is basic and polar, at codon 408 of the TRIT1 protein (p.Arg408His).